The following is an entry in ClinVar:

ClinVar aggregate classification (germline): Uncertain significance (1 of 4 stars; one submission).

Conditions:
Melanoma, cutaneous malignant, susceptibility to, 5. Also called: Cutaneous malignant melanoma 5. Identifiers: Orphanet 618, MedGen C2751295, MONDO:0013133, OMIM 613099.

Allele frequency attached by ClinVar (database versions not stated): gnomAD 0.00001 and 0.00003; gnomAD exomes 0.00002 and 0.00003; TOPMed 0.00002; ExAC 0.00004; 1000 Genomes Project 30x 0.00031; 1000 Genomes Project 0.00040.
gnomAD v4.1: 32 of 1,613,760 alleles (0.002%); highest among the groups gnomAD compares: East Asian, 0.029%; no homozygotes.

Submission:

Labcorp Genetics (formerly Invitae), Labcorp
Classification: Uncertain significance for Melanoma, cutaneous malignant, susceptibility to, 5. Last evaluated: 2025-07-06. Review status: criteria provided, single submitter. Criteria: Invitae Variant Classification Sherloc (09022015). Collection method: clinical testing. Allele origin: germline.
Comment: This sequence change replaces glutamic acid, which is acidic and polar, with lysine, which is basic and polar, at codon 269 of the MC1R protein (p.Glu269Lys). This variant is present in population databases (rs552512218, gnomAD 0.05%). This variant has not been reported in the literature in individuals affected with MC1R-related conditions. ClinVar contains an entry for this variant (Variation ID: 1449339). Invitae Evidence Modeling of protein sequence and biophysical properties (such as structural, functional, and spatial information, amino acid conservation, physicochemical variation, residue mobility, and thermodynamic stability) indicates that this missense variant is not expected to disrupt MC1R protein function with a negative predictive value of 80%. In summary, the available evidence is currently insufficient to determine the role of this variant in disease. Therefore, it has been classified as a Variant of Uncertain Significance.

NM_002386.4(MC1R):c.805G>A (p.Glu269Lys)

Gene: MC1R (melanocortin 1 receptor; plus strand). Cytogenetic location: 16q24.3.
Variant type: single nucleotide variant.
Coding change: c.805G>A on transcript NM_002386.4 (MANE Select); coding-DNA position 805, G replaced by A.
Protein change: p.Glu269Lys; replaces glutamic acid 269 with lysine.
Molecular consequence: missense variant.
Genome position (GRCh38, 1-based): chr16:89,920,063, G>A. VCF-style: chr16-89920063-G-A. GRCh37 (hg19) VCF-style: chr16-89986471-G-A.
Other names: short protein forms E269K.
Identifiers: ClinVar variation 1449339 (VCV001449339.8), dbSNP rs552512218, ClinGen allele CA8255754.